The following is an entry in ClinVar:

NM_000051.4(ATM):c.4184A>C (p.Asn1395Thr)

Gene: ATM (ATM serine/threonine kinase; plus strand). Cytogenetic location: 11q22.3.
Variant type: single nucleotide variant.
Coding change: c.4184A>C on transcript NM_000051.4 (MANE Select); coding-DNA position 4184, A replaced by C.
Protein change: p.Asn1395Thr; replaces asparagine 1395 with threonine.
Molecular consequence: missense variant.
Genome position (GRCh38, 1-based): chr11:108,289,051, A>C. VCF-style: chr11-108289051-A-C. GRCh37 (hg19) VCF-style: chr11-108159778-A-C.
Other names: c.4184A>C, p.Asn1395Thr (NM_001351834.2); short protein forms N1395T.
Identifiers: ClinVar variation 4167826 (VCV004167826.1).
Genomic context (GRCh38, chr11:108,289,051, plus strand): 5'-CTCCTAATCCACCTCATTTTCCATCGCATGTGATTAAAGCAACATTTGCCTATATCAGCA[A>C]TTGTCATAAAACCAAGTTAAAAAGCATTTTAGAAATTCTTTCCAAAAGCCCTGTAAGTAT-3'
Protein context (NP_000042.3, residues 1385-1405): VIKATFAYIS[Asn1395Thr]CHKTKLKSIL

ClinVar aggregate classification (germline): Uncertain significance (1 of 4 stars; one submission).

Conditions:
Hereditary cancer-predisposing syndrome. Also called: Neoplastic Syndromes, Hereditary; Tumor predisposition; Hereditary Cancer Syndrome; Hereditary neoplastic syndrome. Identifiers: Orphanet 140162, MedGen C0027672, MeSH D009386, MONDO:0015356.

Submission:

Ambry Genetics
Classification: Uncertain significance for Hereditary cancer-predisposing syndrome. Last evaluated: 2025-07-13. Review status: criteria provided, single submitter. Criteria: Ambry Variant Classification Scheme 2023. Collection method: clinical testing. Allele origin: germline.
Comment: The p.N1395T variant (also known as c.4184A>C), located in coding exon 27 of the ATM gene, results from an A to C substitution at nucleotide position 4184. The asparagine at codon 1395 is replaced by threonine, an amino acid with similar properties. This amino acid position is conserved. In addition, this alteration is predicted to be tolerated by in silico analysis. Based on the available evidence, the clinical significance of this variant remains unclear.